The following is an entry in ClinVar:

ClinVar aggregate classification (germline): Uncertain significance (1 of 4 stars; one submission).

Submission:

Labcorp Genetics (formerly Invitae), Labcorp
Classification: Uncertain significance. Last evaluated: 2025-05-01. Review status: criteria provided, single submitter. Criteria: Invitae Variant Classification Sherloc (09022015). Collection method: clinical testing. Allele origin: germline.
Comment: This sequence change replaces lysine, which is basic and polar, with asparagine, which is neutral and polar, at codon 419 of the KIF20A protein (p.Lys419Asn). This variant is present in population databases (rs757059121, gnomAD 0.02%). This variant has not been reported in the literature in individuals affected with KIF20A-related conditions. An algorithm developed to predict the effect of missense changes on protein structure and function (PolyPhen-2) suggests that this variant is likely to be tolerated. In summary, the available evidence is currently insufficient to determine the role of this variant in disease. Therefore, it has been classified as a Variant of Uncertain Significance.

NM_005733.3(KIF20A):c.1257G>C (p.Lys419Asn)

Gene: KIF20A (kinesin family member 20A; plus strand). Cytogenetic location: 5q31.2.
Variant type: single nucleotide variant.
Coding change: c.1257G>C on transcript NM_005733.3 (MANE Select); coding-DNA position 1257, G replaced by C.
Protein change: p.Lys419Asn; replaces lysine 419 with asparagine.
Molecular consequence: missense variant.
Genome position (GRCh38, 1-based): chr5:138,184,010, G>C. VCF-style: chr5-138184010-G-C. GRCh37 (hg19) VCF-style: chr5-137519699-G-C.
Other names: short protein forms K419N.
Identifiers: ClinVar variation 4754056 (VCV004754056.1).